The following is an entry in ClinVar:

ClinVar aggregate classification (germline): Uncertain significance (1 of 4 stars; one submission).

Submission:

Labcorp Genetics (formerly Invitae), Labcorp
Classification: Uncertain significance. Last evaluated: 2025-10-31. Review status: criteria provided, single submitter. Criteria: Invitae Variant Classification Sherloc (09022015). Collection method: clinical testing. Allele origin: germline.
Comment: This sequence change replaces valine, which is neutral and non-polar, with methionine, which is neutral and non-polar, at codon 422 of the PLTP protein (p.Val422Met). Information on the frequency of this variant in the gnomAD database is not available, as this variant may be reported differently in the database. This variant has not been reported in the literature in individuals affected with PLTP-related conditions. ClinVar contains an entry for this variant (Variation ID: 1445681). Experimental studies and prediction algorithms are not available or were not evaluated, and the functional significance of this variant is currently unknown. In summary, the available evidence is currently insufficient to determine the role of this variant in disease. Therefore, it has been classified as a Variant of Uncertain Significance.

NM_006227.4(PLTP):c.1263_1264delinsCA (p.Val422Met)

Gene: PLTP (phospholipid transfer protein; minus strand). Cytogenetic location: 20q13.12.
Variant type: Indel.
Coding change: c.1263_1264delinsCA on transcript NM_006227.4 (MANE Select); coding-DNA positions 1263 to 1264, GG replaced by CA.
Protein change: p.Val422Met; replaces valine 422 with methionine.
Molecular consequence: missense variant.
Genome position (GRCh38, 1-based): chr20:45,899,640-45,899,641, CC replaced by TG on the plus strand (GG replaced by CA on the coding strand, the reverse complement: PLTP is on the minus strand). VCF-style: chr20-45899640-CC-TG. GRCh37 (hg19) VCF-style: chr20-44528279-CC-TG.
Other names: c.978_979delinsCA, p.Val327Met (NM_001242920.2); c.999_1000delinsCA, p.Val334Met (NM_001242921.1); c.1107_1108delinsCA, p.Val370Met (NM_182676.3); short protein forms V334M, V422M, V327M, V370M.
Identifiers: ClinVar variation 1445681 (VCV001445681.6), dbSNP rs2145827824, ClinGen allele CA2573157103.
Genomic context (GRCh38, chr20:45,899,640, plus strand): 5'-TCACCCCTCCTTTCTTCCTCCATCCTCACACCCCAGCCTTACCATTGAGCATGGGCATCA[CC>TG]CCAATCTGCAGCATGGTCTTCAGAGGGGCCTGTAATGGGATCAGCTGGGAGGGGCGAGGG-3'
Protein context (NP_006218.1, residues 412-432): APLKTMLQIG[Val422Met]MPMLNERTWR